The following is an entry in ClinVar:

NM_004612.4(TGFBR1):c.252T>G (p.Phe84Leu)

Gene: TGFBR1 (transforming growth factor beta receptor 1; plus strand). Cytogenetic location: 9q22.33.
Variant type: single nucleotide variant.
Coding change: c.252T>G on transcript NM_004612.4 (MANE Select); coding-DNA position 252, T replaced by G.
Protein change: p.Phe84Leu; replaces phenylalanine 84 with leucine.
Molecular consequence: missense variant. On other transcripts: non-coding transcript variant (4), intron variant (3).
Genome position (GRCh38, 1-based): chr9:99,129,009, T>G. VCF-style: chr9-99129009-T-G. GRCh37 (hg19) VCF-style: chr9-101891291-T-G.
Other names: c.252T>G, p.Phe84Leu (NM_001130916.3, NM_001306210.2, NM_001407416.1 and 2 more transcripts); c.45T>G, p.Phe15Leu (NM_001407418.1, NM_001407419.1, NM_001407420.1 and 12 more transcripts); c.98-3500T>G (NM_001407436.1); c.98-8850T>G (NM_001407438.1); c.98-13527T>G (NM_001407437.1); short protein forms F84L, F15L.
Identifiers: ClinVar variation 4843194 (VCV004843194.1).

ClinVar aggregate classification (germline): Uncertain significance (1 of 4 stars; one submission).

Conditions:
Familial thoracic aortic aneurysm and aortic dissection (TAAD). Also called: Thoracic aortic aneurysms and dissections. Identifiers: Orphanet 91387, MedGen C4707243, MONDO:0019625.

Submission:

Ambry Genetics
Classification: Uncertain significance for Familial thoracic aortic aneurysm and aortic dissection. Last evaluated: 2025-12-26. Review status: criteria provided, single submitter. Criteria: Ambry Variant Classification Scheme 2023. Collection method: clinical testing. Allele origin: germline.
Comment: The p.F84L variant (also known as c.252T>G), located in coding exon 2 of the TGFBR1 gene, results from a T to G substitution at nucleotide position 252. The phenylalanine at codon 84 is replaced by leucine, an amino acid with highly similar properties. This amino acid position is conserved. In addition, the in silico prediction for this alteration is inconclusive. Based on the available evidence, the clinical significance of this variant remains unclear.